The following is an entry in ClinVar:

ClinVar aggregate classification (germline): Uncertain significance (1 of 4 stars; one submission).

Conditions:
ITK-related disorder. Also called: ITK-related condition.

Allele frequency attached by ClinVar (database versions not stated): gnomAD exomes below 0.00001.
gnomAD v4.1: 1 of 1,612,110 alleles (0.000062%); highest among the groups gnomAD compares: Non-Finnish European, 0.000085%; no homozygotes.

Submission:

PreventionGenetics, part of Exact Sciences
Classification: Uncertain significance for ITK-related condition. Last evaluated: 2023-08-20. Review status: criteria provided, single submitter. Criteria: ACMG Guidelines, 2015. Collection method: clinical testing. Allele origin: germline.
Comment: The ITK c.1061G>A variant is predicted to result in the amino acid substitution p.Gly354Glu. To our knowledge, this variant has not been reported in the literature or in a large population database, indicating this variant is rare. At this time, the clinical significance of this variant is uncertain due to the absence of conclusive functional and genetic evidence.

NM_005546.4(ITK):c.1061G>A (p.Gly354Glu)

Gene: ITK (IL2 inducible T cell kinase; plus strand). Cytogenetic location: 5q33.3.
Variant type: single nucleotide variant.
Coding change: c.1061G>A on transcript NM_005546.4 (MANE Select); coding-DNA position 1061, G replaced by A.
Protein change: p.Gly354Glu; replaces glycine 354 with glutamic acid.
Molecular consequence: missense variant.
Genome position (GRCh38, 1-based): chr5:157,243,623, G>A. VCF-style: chr5-157243623-G-A. GRCh37 (hg19) VCF-style: chr5-156670633-G-A.
Other names: short protein forms G354E.
Identifiers: ClinVar variation 2634589 (VCV002634589.1), dbSNP rs2532155165, ClinGen allele CA361959632.